The following is an entry in ClinVar:

ClinVar aggregate classification (germline): Conflicting classifications of pathogenicity. Review status: criteria provided, conflicting classifications (1 of 4 stars). 3 submissions from 3 submitters: Uncertain significance (2); Likely benign (1). Last evaluated 2025-06-15.

Conditions:
Inborn genetic diseases. Identifiers: MedGen C0950123, MeSH D030342.

Allele frequency attached by ClinVar (database versions not stated): gnomAD exomes 0.00001 and 0.00003; TOPMed 0.00001; ExAC 0.00003; gnomAD 0.00004 and 0.00005; 1000 Genomes Project 30x 0.00031; 1000 Genomes Project 0.00040.
gnomAD v4.1: 32 of 1,614,158 alleles (0.002%); highest among the groups gnomAD compares: East Asian, 0.033%; no homozygotes.

Submissions (3):

Labcorp Genetics (formerly Invitae), Labcorp
Classification: Uncertain significance. Last evaluated: 2025-06-15. Review status: criteria provided, single submitter. Criteria: Invitae Variant Classification Sherloc (09022015). Collection method: clinical testing. Allele origin: germline.
Comment: This sequence change replaces histidine, which is basic and polar, with tyrosine, which is neutral and polar, at codon 45 of the VCAN protein (p.His45Tyr). This variant is present in population databases (rs371177155, gnomAD 0.03%). This variant has not been reported in the literature in individuals affected with VCAN-related conditions. ClinVar contains an entry for this variant (Variation ID: 1060924). An algorithm developed to predict the effect of missense changes on protein structure and function (PolyPhen-2) suggests that this variant is likely to be tolerated. In summary, the available evidence is currently insufficient to determine the role of this variant in disease. Therefore, it has been classified as a Variant of Uncertain Significance.

Ambry Genetics
Classification: Uncertain significance for Inborn genetic diseases. Last evaluated: 2025-05-19. Review status: criteria provided, single submitter. Criteria: Ambry Variant Classification Scheme 2023. Collection method: clinical testing. Allele origin: germline.

Blueprint Genetics
Classification: Likely benign. Last evaluated: 2023-12-11. Review status: criteria provided, single submitter. Criteria: ACMG Guidelines, 2015. Collection method: clinical testing. Allele origin: germline.

NM_004385.5(VCAN):c.133C>T (p.His45Tyr)

Gene: VCAN (versican; plus strand). Cytogenetic location: 5q14.2.
Variant type: single nucleotide variant.
Coding change: c.133C>T on transcript NM_004385.5 (MANE Select); coding-DNA position 133, C replaced by T.
Protein change: p.His45Tyr; replaces histidine 45 with tyrosine.
Molecular consequence: missense variant.
Genome position (GRCh38, 1-based): chr5:83,490,160, C>T. VCF-style: chr5-83490160-C-T. GRCh37 (hg19) VCF-style: chr5-82785979-C-T.
Other names: c.133C>T, p.His45Tyr (NM_001126336.3, NM_001164097.2, NM_001164098.2); c.133C>T (NM_004385.4); short protein forms H45Y.
Identifiers: ClinVar variation 1060924 (VCV001060924.14), dbSNP rs371177155, ClinGen allele CA3332398.